The following is an entry in ClinVar:

NM_001184880.2(PCDH19):c.2846A>C (p.His949Pro)

Gene: PCDH19 (protocadherin 19; minus strand). Cytogenetic location: Xq22.1.
Variant type: single nucleotide variant.
Coding change: c.2846A>C on transcript NM_001184880.2 (MANE Select); coding-DNA position 2846, A replaced by C.
Protein change: p.His949Pro; replaces histidine 949 with proline.
Molecular consequence: missense variant.
Genome position (GRCh38, 1-based): chrX:100,341,905, T>G on the plus strand (A>C on the coding strand, the complement: PCDH19 is on the minus strand). VCF-style: chrX-100341905-T-G. GRCh37 (hg19) VCF-style: chrX-99596903-T-G.
Other names: c.2705A>C, p.His902Pro (NM_001105243.2); c.2702A>C, p.His901Pro (NM_020766.3); short protein forms H902P, H949P, H901P.
Identifiers: ClinVar variation 1493457 (VCV001493457.8), dbSNP rs1200510047, ClinGen allele CA413999707.

ClinVar aggregate classification (germline): Uncertain significance (1 of 4 stars; one submission).

Conditions:
Developmental and epileptic encephalopathy, 9 (DEE9). Also called: EPILEPSY, FEMALE-RESTRICTED, WITH MENTAL RETARDATION; Early infantile epileptic encephalopathy 9; JUBERG-HELLMAN SYNDROME; PCDH19-Related X-Linked Female-Limited Epilepsy with Mental Retardation. Identifiers: Orphanet 101039, Orphanet 2076, MedGen C1848137, MONDO:0010246, OMIM 300088. Disease mechanism: loss of function.

Submission:

Labcorp Genetics (formerly Invitae), Labcorp
Classification: Uncertain significance for Developmental and epileptic encephalopathy, 9. Last evaluated: 2023-10-03. Review status: criteria provided, single submitter. Criteria: Invitae Variant Classification Sherloc (09022015). Collection method: clinical testing. Allele origin: germline.
Comment: This sequence change replaces histidine, which is basic and polar, with proline, which is neutral and non-polar, at codon 949 of the PCDH19 protein (p.His949Pro). This variant is not present in population databases (gnomAD no frequency). This variant has not been reported in the literature in individuals affected with PCDH19-related conditions. ClinVar contains an entry for this variant (Variation ID: 1493457). An algorithm developed to predict the effect of missense changes on protein structure and function (PolyPhen-2) suggests that this variant is likely to be tolerated. In summary, the available evidence is currently insufficient to determine the role of this variant in disease. Therefore, it has been classified as a Variant of Uncertain Significance.